The following is an entry in ClinVar:

ClinVar aggregate classification (germline): Pathogenic (0 of 4 stars; one submission).

Conditions:
Pseudohypoaldosteronism type 2A (PHA2A). Also called: GORDON HYPERKALEMIA-HYPERTENSION SYNDROME; HYPERTENSIVE HYPERKALEMIA, FAMILIAL. Identifiers: Orphanet 757, Orphanet 88938, MedGen C1840389, MONDO:0007772, OMIM 145260.

gnomAD v4.1: 3 of 1,614,204 alleles (0.00019%); highest among the groups gnomAD compares: Non-Finnish European, 0.00025%; no homozygotes.

Submission:

Richard Lifton Laboratory, Yale University School of Medicine
Classification: Pathogenic for Pseudohypoaldosteronism, type 2. Review status: no assertion criteria provided. Collection method: not provided. Allele origin: germline.
Comment: dominant;Kelch propeller domain
ClinVar note: Converted during submission from pathogenic to Pathogenic.

NM_017415.3(KLHL3):c.1480G>A (p.Ala494Thr)

Gene: KLHL3 (kelch like family member 3; minus strand). Cytogenetic location: 5q31.2.
Variant type: single nucleotide variant.
Coding change: c.1480G>A on transcript NM_017415.3 (MANE Select); coding-DNA position 1480, G replaced by A.
Protein change: p.Ala494Thr; replaces alanine 494 with threonine.
Molecular consequence: missense variant.
Genome position (GRCh38, 1-based): chr5:137,628,408, C>T on the plus strand (G>A on the coding strand, the complement: KLHL3 is on the minus strand). VCF-style: chr5-137628408-C-T. GRCh37 (hg19) VCF-style: chr5-136964097-C-T.
Other names: c.1384G>A, p.Ala462Thr (NM_001257194.1); c.1234G>A, p.Ala412Thr (NM_001257195.2); short protein forms A494T, A412T, A462T.
Identifiers: ClinVar variation 100531 (VCV000100531.3), dbSNP rs199469633, ClinGen allele CA269972.